The following is an entry in ClinVar:

NM_001369369.1(FOXN1):c.689C>T (p.Pro230Leu)

Gene: FOXN1 (forkhead box N1; plus strand). Cytogenetic location: 17q11.2.
Variant type: single nucleotide variant.
Coding change: c.689C>T on transcript NM_001369369.1 (MANE Select); coding-DNA position 689, C replaced by T.
Protein change: p.Pro230Leu; replaces proline 230 with leucine.
Molecular consequence: missense variant.
Genome position (GRCh38, 1-based): chr17:28,527,351, C>T. VCF-style: chr17-28527351-C-T. GRCh37 (hg19) VCF-style: chr17-26854369-C-T.
Other names: c.689C>T, p.Pro230Leu (NM_003593.3); short protein forms P230L.
Identifiers: ClinVar variation 860055 (VCV000860055.7), dbSNP rs368285745, ClinGen allele CA8459291.
Genomic context (GRCh38, chr17:28,527,351, plus strand): 5'-GTGCTGGGATGTTCTGCTACCAGCCTCCCTTGCAGCATATGTACTGCTCCTCCCAGCCCC[C>T]CTTCCACCAGGTGGGTCTGGGGCAAGTGGGCCTGCTTCCCCCAGGTCTGAGGATATCGTG-3'
Protein context (NP_001356298.1, residues 220-240): LQHMYCSSQP[Pro230Leu]FHQYSPGGGS

ClinVar aggregate classification (germline): Uncertain significance. Review status: criteria provided, multiple submitters, no conflicts (2 of 4 stars). 2 submissions from 2 submitters: Uncertain significance (2). Last evaluated 2024-09-18.

Conditions:
Inborn genetic diseases. Identifiers: MedGen C0950123, MeSH D030342.
T-cell immunodeficiency, congenital alopecia, and nail dystrophy. Also called: Congenital alopecia and nail dystrophy associated with severe functional T-cell immunodeficiency; Pignata Guarino syndrome. Identifiers: Orphanet 169095, MedGen C1866426, MONDO:0011132, OMIM 601705.

Allele frequency attached by ClinVar (database versions not stated): TOPMed 0.00005.
gnomAD v4.1: 24 of 1,608,420 alleles (0.0015%); highest among the groups gnomAD compares: Middle Eastern, 0.033%; no homozygotes.

Submissions (2):

Labcorp Genetics (formerly Invitae), Labcorp
Classification: Uncertain significance for T-cell immunodeficiency, congenital alopecia, and nail dystrophy. Last evaluated: 2024-09-18. Review status: criteria provided, single submitter. Criteria: Invitae Variant Classification Sherloc (09022015). Collection method: clinical testing. Allele origin: germline.
Comment: This sequence change replaces proline, which is neutral and non-polar, with leucine, which is neutral and non-polar, at codon 230 of the FOXN1 protein (p.Pro230Leu). This variant is present in population databases (rs368285745, gnomAD 0.002%). This variant has not been reported in the literature in individuals affected with FOXN1-related conditions. ClinVar contains an entry for this variant (Variation ID: 860055). Invitae Evidence Modeling of protein sequence and biophysical properties (such as structural, functional, and spatial information, amino acid conservation, physicochemical variation, residue mobility, and thermodynamic stability) indicates that this missense variant is not expected to disrupt FOXN1 protein function with a negative predictive value of 80%. In summary, the available evidence is currently insufficient to determine the role of this variant in disease. Therefore, it has been classified as a Variant of Uncertain Significance.

Ambry Genetics
Classification: Uncertain significance for Inborn genetic diseases. Last evaluated: 2022-11-07. Review status: criteria provided, single submitter. Criteria: Ambry Variant Classification Scheme 2023. Collection method: clinical testing. Allele origin: germline.